The following is an entry in ClinVar:

ClinVar aggregate classification (germline): Benign/Likely benign. Review status: criteria provided, multiple submitters, no conflicts (2 of 4 stars). 7 submissions from 7 submitters: Benign (4); Likely benign (2). 1 of the submissions does not count toward it. Last evaluated 2025-08-03.

Conditions:
ZEB2-related disorder. Also called: ZEB2-related condition.
Inborn genetic diseases. Identifiers: MedGen C0950123, MeSH D030342.
Mowat-Wilson syndrome (MOWS). Also called: Classic Mowat-Wilson Syndrome. Identifiers: Orphanet 2152, MedGen C1856113, MONDO:0009341, OMIM 235730.

Allele frequency attached by ClinVar (database versions not stated): ExAC 0.00020; 1000 Genomes Project 30x 0.00062; gnomAD 0.00061 and 0.00067; TOPMed 0.00084; gnomAD exomes 0.00010 and 0.00022; 1000 Genomes Project 0.00060; ESP Exome Variant Server 0.00092.
gnomAD v4.1: 256 of 1,614,176 alleles (0.016%); highest among the groups gnomAD compares: African/African-American, 0.18%; no homozygotes.

Submissions (7):

Labcorp Genetics (formerly Invitae), Labcorp
Classification: Likely benign for Mowat-Wilson syndrome. Last evaluated: 2025-08-03. Review status: criteria provided, single submitter. Criteria: Invitae Variant Classification Sherloc (09022015). Collection method: clinical testing. Allele origin: germline.

Blueprint Genetics
Classification: Likely benign. Last evaluated: 2024-04-15. Review status: criteria provided, single submitter. Criteria: ACMG Guidelines, 2015. Collection method: clinical testing. Allele origin: germline.

Genome-Nilou Lab
Classification: Benign for Mowat-Wilson syndrome. Last evaluated: 2021-11-07. Review status: criteria provided, single submitter. Criteria: ACMG Guidelines, 2015. Collection method: clinical testing. Allele origin: germline. Affected: no.

GeneDx
Classification: Benign. Last evaluated: 2021-04-19. Review status: criteria provided, single submitter. Criteria: GeneDx Variant Classification Process June 2021. Collection method: clinical testing. Allele origin: germline. Affected: yes.

Ambry Genetics
Classification: Benign for Inborn genetic diseases. Last evaluated: 2019-03-18. Review status: criteria provided, single submitter. Criteria: Ambry Variant Classification Scheme 2023. Collection method: clinical testing. Allele origin: germline.

Eurofins Ntd Llc (ga)
Classification: Benign. Last evaluated: 2014-02-24. Review status: criteria provided, single submitter. Criteria: EGL Classification Definitions 2015. Collection method: clinical testing. Allele origin: germline. Observed: 1 variant allele, 1 heterozygote.

PreventionGenetics, part of Exact Sciences
Classification: Likely benign for ZEB2-related condition. Last evaluated: 2019-08-12. Review status: no assertion criteria provided. Collection method: clinical testing. Allele origin: germline. Not counted in ClinVar's aggregate classification.
Comment: This variant is classified as likely benign based on ACMG/AMP sequence variant interpretation guidelines (Richards et al. 2015 PMID: 25741868, with internal and published modifications).

NM_014795.4(ZEB2):c.2206A>G (p.Met736Val)

Gene: ZEB2 (zinc finger E-box binding homeobox 2; minus strand). Cytogenetic location: 2q22.3.
Variant type: single nucleotide variant.
Coding change: c.2206A>G on transcript NM_014795.4 (MANE Select); coding-DNA position 2206, A replaced by G.
Protein change: p.Met736Val; replaces methionine 736 with valine.
Molecular consequence: missense variant.
Genome position (GRCh38, 1-based): chr2:144,398,981, T>C on the plus strand (A>G on the coding strand, the complement: ZEB2 is on the minus strand). VCF-style: chr2-144398981-T-C. GRCh37 (hg19) VCF-style: chr2-145156548-T-C.
Other names: p.M736V:ATG>GTG; c.2134A>G, p.Met712Val (NM_001171653.2); short protein forms M736V, M712V.
Identifiers: ClinVar variation 167853 (VCV000167853.25), dbSNP rs139191491, ClinGen allele CA180503.
Genomic context (GRCh38, chr2:144,398,981, plus strand): 5'-GATCACAATTCGTAACACTGTTGTGGAGTTCTGCTATAGATGGTGATGTTATGGAGTCCA[T>C]AGGTTTTACAGGAGACCTGGGTAATAAAGAGTCTTTTGTGGGAGGGTTACTGTTGGGAGC-3'
Protein context (NP_055610.1, residues 726-746): SLLPRSPVKP[Met736Val]DSITSPSIAE